The following is an entry in ClinVar:

NM_003680.4(YARS1):c.161T>C (p.Val54Ala)

Gene: YARS1 (tyrosyl-tRNA synthetase 1; minus strand). Cytogenetic location: 1p35.1.
Variant type: single nucleotide variant.
Coding change: c.161T>C on transcript NM_003680.4 (MANE Select); coding-DNA position 161, T replaced by C.
Protein change: p.Val54Ala; replaces valine 54 with alanine.
Molecular consequence: missense variant.
Genome position (GRCh38, 1-based): chr1:32,810,954, A>G on the plus strand (T>C on the coding strand, the complement: YARS1 is on the minus strand). VCF-style: chr1-32810954-A-G. GRCh37 (hg19) VCF-style: chr1-33276555-A-G.
Other names: short protein forms V54A.
Identifiers: ClinVar variation 2859795 (VCV002859795.3), dbSNP rs2523437054, ClinGen allele CA339687562.

ClinVar aggregate classification (germline): Uncertain significance (1 of 4 stars; one submission).

Conditions:
Charcot-Marie-Tooth disease dominant intermediate C (CMTDIC). Also called: CHARCOT-MARIE-TOOTH NEUROPATHY, DOMINANT INTERMEDIATE C. Identifiers: Orphanet 100045, MedGen C1842237, MONDO:0012012, OMIM 608323.

Submission:

Labcorp Genetics (formerly Invitae), Labcorp
Classification: Uncertain significance for Charcot-Marie-Tooth disease dominant intermediate C. Last evaluated: 2023-03-02. Review status: criteria provided, single submitter. Criteria: Invitae Variant Classification Sherloc (09022015). Collection method: clinical testing. Allele origin: germline.
Comment: In summary, the available evidence is currently insufficient to determine the role of this variant in disease. Therefore, it has been classified as a Variant of Uncertain Significance. Advanced modeling of protein sequence and biophysical properties (such as structural, functional, and spatial information, amino acid conservation, physicochemical variation, residue mobility, and thermodynamic stability) performed at Invitae indicates that this missense variant is expected to disrupt YARS protein function. This variant has not been reported in the literature in individuals affected with YARS-related conditions. This variant is not present in population databases (gnomAD no frequency). This sequence change replaces valine, which is neutral and non-polar, with alanine, which is neutral and non-polar, at codon 54 of the YARS protein (p.Val54Ala).